The following is an entry in ClinVar:

NM_018718.3(CEP41):c.14G>A (p.Arg5Lys)

Gene: CEP41 (centrosomal protein 41; minus strand). Cytogenetic location: 7q32.2.
Variant type: single nucleotide variant.
Coding change: c.14G>A on transcript NM_018718.3 (MANE Select); coding-DNA position 14, G replaced by A.
Protein change: p.Arg5Lys; replaces arginine 5 with lysine.
Molecular consequence: missense variant. On other transcripts: non-coding transcript variant (1).
Genome position (GRCh38, 1-based): chr7:130,440,953, C>T on the plus strand (G>A on the coding strand, the complement: CEP41 is on the minus strand). VCF-style: chr7-130440953-C-T. GRCh37 (hg19) VCF-style: chr7-130080794-C-T.
Other names: c.14G>A, p.Arg5Lys (NM_001257158.2, NM_001257159.2, NM_001257160.2); short protein forms R5K.
Identifiers: ClinVar variation 2018329 (VCV002018329.4), dbSNP rs1240057172, ClinGen allele CA369289564.

ClinVar aggregate classification (germline): Uncertain significance (1 of 4 stars; one submission).

Conditions:
Joubert syndrome 15 (JBTS15). Identifiers: Orphanet 475, MedGen C3280897, MONDO:0013763, OMIM 614464.

Allele frequency attached by ClinVar (database versions not stated): gnomAD exomes below 0.00001; TOPMed below 0.00001; gnomAD 0.00001.
gnomAD v4.1: 2 of 1,612,802 alleles (0.00012%); highest among the groups gnomAD compares: Non-Finnish European, 0.00017%; no homozygotes.

Submission:

Labcorp Genetics (formerly Invitae), Labcorp
Classification: Uncertain significance for Joubert syndrome 15. Last evaluated: 2022-07-06. Review status: criteria provided, single submitter. Criteria: Invitae Variant Classification Sherloc (09022015). Collection method: clinical testing. Allele origin: germline.
Comment: This sequence change replaces arginine, which is basic and polar, with lysine, which is basic and polar, at codon 5 of the CEP41 protein (p.Arg5Lys). This variant has not been reported in the literature in individuals affected with CEP41-related conditions. This variant is not present in population databases (gnomAD no frequency). In summary, the available evidence is currently insufficient to determine the role of this variant in disease. Therefore, it has been classified as a Variant of Uncertain Significance. Algorithms developed to predict the effect of sequence changes on RNA splicing suggest that this variant may create or strengthen a splice site. Algorithms developed to predict the effect of missense changes on protein structure and function are either unavailable or do not agree on the potential impact of this missense change (SIFT: "Deleterious"; PolyPhen-2: "Benign"; Align-GVGD: "Class C0").